The following is an entry in ClinVar:

ClinVar aggregate classification (germline): Uncertain significance (1 of 4 stars; one submission).

Conditions:
Primary dilated cardiomyopathy (DCM). Also called: Dilated Cardiomyopathy. Identifiers: Orphanet 217604, MedGen C0007193, MeSH D002311, MONDO:0005021, HP:0001644. Inheritance: Various modes of inheritance.
Hypertrophic cardiomyopathy. Also called: HYPERTROPHIC MYOCARDIOPATHY. Identifiers: Orphanet 217569, MedGen C0007194, MeSH D002312, MONDO:0005045, HP:0001639.

Submission:

Labcorp Genetics (formerly Invitae), Labcorp
Classification: Uncertain significance for Hypertrophic cardiomyopathy; Primary dilated cardiomyopathy. Last evaluated: 2022-08-23. Review status: criteria provided, single submitter. Criteria: Invitae Variant Classification Sherloc (09022015). Collection method: clinical testing. Allele origin: germline.
Comment: Algorithms developed to predict the effect of missense changes on protein structure and function (SIFT, PolyPhen-2, Align-GVGD) all suggest that this variant is likely to be disruptive. This sequence change replaces valine, which is neutral and non-polar, with leucine, which is neutral and non-polar, at codon 319 of the PDLIM3 protein (p.Val319Leu). This variant is present in population databases (no rsID available, gnomAD 0.006%). This variant has not been reported in the literature in individuals affected with PDLIM3-related conditions. ClinVar contains an entry for this variant (Variation ID: 1371493). In summary, the available evidence is currently insufficient to determine the role of this variant in disease. Therefore, it has been classified as a Variant of Uncertain Significance.

NM_014476.6(PDLIM3):c.955G>C (p.Val319Leu)

Gene: PDLIM3 (PDZ and LIM domain 3; minus strand). Cytogenetic location: 4q35.1.
Variant type: single nucleotide variant.
Coding change: c.955G>C on transcript NM_014476.6 (MANE Select); coding-DNA position 955, G replaced by C.
Protein change: p.Val319Leu; replaces valine 319 with leucine.
Molecular consequence: missense variant. On other transcripts: non-coding transcript variant (1).
Genome position (GRCh38, 1-based): chr4:185,502,434, C>G on the plus strand (G>C on the coding strand, the complement: PDLIM3 is on the minus strand). VCF-style: chr4-185502434-C-G. GRCh37 (hg19) VCF-style: chr4-186423588-C-G.
Other names: c.811G>C, p.Val271Leu (NM_001114107.5); c.691G>C, p.Val231Leu (NM_001257962.2); c.454G>C, p.Val152Leu (NM_001257963.2); short protein forms V152L, V231L, V319L, V271L.
Identifiers: ClinVar variation 1371493 (VCV001371493.6), dbSNP rs756047162, ClinGen allele CA358919697.
Genomic context (GRCh38, chr4:185,502,434, plus strand): 5'-GCTCCCCTTCTATGAAGAAGTAGCCCTTTTGCTTGAGGTTGAGGTTGCAGTCGGCACACA[C>G]GAAGCACTCAGGGTGCCGGTACTTATCCCGCGCCTTCACCACAGCACCGCTGTTGGGGAA-3'
Protein context (NP_055291.2, residues 309-329): RDKYRHPECF[Val319Leu]CADCNLNLKQ